The following is an entry in ClinVar:

NM_005591.4(MRE11):c.1861A>G (p.Ile621Val)

Gene: MRE11 (MRE11 double strand break repair nuclease; minus strand). Cytogenetic location: 11q21.
Variant type: single nucleotide variant.
Coding change: c.1861A>G on transcript NM_005591.4 (MANE Select); coding-DNA position 1861, A replaced by G.
Protein change: p.Ile621Val; replaces isoleucine 621 with valine.
Molecular consequence: missense variant. On other transcripts: intron variant (1).
Genome position (GRCh38, 1-based): chr11:94,445,816, T>C on the plus strand (A>G on the coding strand, the complement: MRE11 is on the minus strand). VCF-style: chr11-94445816-T-C. GRCh37 (hg19) VCF-style: chr11-94178982-T-C.
Other names: c.1858A>G, p.Ile620Val (NM_001330347.2); c.1783+1403A>G (NM_005590.4); short protein forms I621V, I620V.
Identifiers: ClinVar variation 231275 (VCV000231275.12), dbSNP rs373444411, ClinGen allele CA6234978.

ClinVar aggregate classification (germline): Uncertain significance. Review status: criteria provided, multiple submitters, no conflicts (2 of 4 stars). 2 submissions from 2 submitters: Uncertain significance (2). Last evaluated 2025-11-18.

Conditions:
Hereditary cancer-predisposing syndrome. Also called: Neoplastic Syndromes, Hereditary; Tumor predisposition; Hereditary Cancer Syndrome; Hereditary neoplastic syndrome. Identifiers: Orphanet 140162, MedGen C0027672, MeSH D009386, MONDO:0015356.
Ataxia-telangiectasia-like disorder (ATLD). Identifiers: MedGen C1858391, MONDO:0011457.

Allele frequency attached by ClinVar (database versions not stated): gnomAD exomes below 0.00001 and 0.00001; ExAC 0.00002; gnomAD 0.00002 and 0.00003; TOPMed 0.00002; ESP Exome Variant Server 0.00008; 1000 Genomes Project 30x 0.00016; 1000 Genomes Project 0.00020.
gnomAD v4.1: 8 of 1,605,030 alleles (0.0005%); highest among the groups gnomAD compares: African/African-American, 0.008%; no homozygotes.

Submissions (2):

Ambry Genetics
Classification: Uncertain significance for Hereditary cancer-predisposing syndrome. Last evaluated: 2025-11-18. Review status: criteria provided, single submitter. Criteria: Ambry Variant Classification Scheme 2023. Collection method: clinical testing. Allele origin: germline.
Comment: The p.I621V variant (also known as c.1861A>G), located in coding exon 15 of the MRE11A gene, results from an A to G substitution at nucleotide position 1861. The isoleucine at codon 621 is replaced by valine, an amino acid with highly similar properties. This amino acid position is poorly conserved in available vertebrate species. In addition, this alteration is predicted to be tolerated by in silico analysis. Since supporting evidence is limited at this time, the clinical significance of this alteration remains unclear.

Labcorp Genetics (formerly Invitae), Labcorp
Classification: Uncertain significance for Ataxia-telangiectasia-like disorder. Last evaluated: 2025-09-24. Review status: criteria provided, single submitter. Criteria: Invitae Variant Classification Sherloc (09022015). Collection method: clinical testing. Allele origin: germline.
Comment: This sequence change replaces isoleucine, which is neutral and non-polar, with valine, which is neutral and non-polar, at codon 621 of the MRE11 protein (p.Ile621Val). This variant is present in population databases (rs373444411, gnomAD 0.008%). This variant has not been reported in the literature in individuals affected with MRE11-related conditions. ClinVar contains an entry for this variant (Variation ID: 231275). An algorithm developed to predict the effect of missense changes on protein structure and function outputs the following: PolyPhen-2: "Benign". The valine amino acid residue is found in multiple mammalian species, which suggests that this missense change does not adversely affect protein function. In summary, the available evidence is currently insufficient to determine the role of this variant in disease. Therefore, it has been classified as a Variant of Uncertain Significance.